The following is an entry in ClinVar:

ClinVar aggregate classification (germline): Likely benign (1 of 4 stars; one submission).

gnomAD v4.1: 3,044 of 1,613,472 alleles (0.19%); highest among the groups gnomAD compares: Non-Finnish European, 0.22%; 6 homozygotes.

Submissions (2):

CeGaT Center for Human Genetics Tuebingen
Classification: Likely benign. Last evaluated: 2024-09-01. Review status: criteria provided, single submitter. Criteria: CeGaT Center For Human Genetics Tuebingen Variant Classification Criteria Version 2. Collection method: clinical testing. Allele origin: germline. Affected: yes. Observed: 1 variant allele.
Comment: CNTRL: BP4, BS2

Dr. Peter K. Rogan Lab, Western University
No classification provided (evidence only). Condition: Uveal melanoma. Review status: no classification provided. Collection method: in vitro. Allele origin: not applicable. Functional consequence: retained intron. Not counted in ClinVar's aggregate classification.

NM_007018.6(CNTRL):c.2398G>A (p.Val800Ile)

Gene: CNTRL (centriolin; plus strand). Cytogenetic location: 9q33.2.
Variant type: single nucleotide variant.
Coding change: c.2398G>A on transcript NM_007018.6 (MANE Select); coding-DNA position 2398, G replaced by A.
Protein change: p.Val800Ile; replaces valine 800 with isoleucine.
Molecular consequence: missense variant. On other transcripts: non-coding transcript variant (1).
Genome position (GRCh38, 1-based): chr9:121,140,701, G>A. VCF-style: chr9-121140701-G-A. GRCh37 (hg19) VCF-style: chr9-123902979-G-A.
Other names: NC_000009.11:g.123902979G>A; c.742G>A, p.Val248Ile (NM_001330762.2, NM_001369892.1); c.2398G>A, p.Val800Ile (NM_001369893.1); c.2455G>A, p.Val819Ile (NM_001369894.1); c.1897G>A, p.Val633Ile (NM_001369895.1); short protein forms V248I, V633I, V800I, V819I.
Identifiers: ClinVar variation 3388312 (VCV003388312.15).